The following is an entry in ClinVar:

ClinVar aggregate classification (germline): Likely benign (1 of 4 stars; one submission).

Submission:

CeGaT Center for Human Genetics Tuebingen
Classification: Likely benign. Last evaluated: 2023-10-01. Review status: criteria provided, single submitter. Criteria: CeGaT Center For Human Genetics Tuebingen Variant Classification Criteria Version 2. Collection method: clinical testing. Allele origin: germline. Affected: yes. Observed: 1 variant allele.
Comment: PARG: BS2

NM_003631.2(PARG):c.1455+115464A>G

Gene: PARG (poly(ADP-ribose) glycohydrolase; minus strand). Cytogenetic location: 10q11.23.
Variant type: single nucleotide variant.
Coding change: c.1455+115464A>G on transcript NM_003631.2; 115464 bases into the intron after coding-DNA position 1455, A replaced by G.
Identifiers: ClinVar variation 2640464 (VCV002640464.19), dbSNP rs1556526554, ClinGen allele CA5499455.